The following is an entry in ClinVar:

ClinVar aggregate classification (germline): Likely benign. Review status: criteria provided, single submitter (1 of 4 stars). 2 submissions from 2 submitters: Likely benign (1). 1 of the submissions does not count toward it. Last evaluated 2024-02-01.

Conditions:
PI4KA-related disorder. Also called: PI4KA-related condition; PI4KA-related disorders. Identifiers: MedGen CN378147, MONDO:1040012.

Allele frequency attached by ClinVar (database versions not stated): gnomAD 0.00012; TOPMed 0.00013; ESP Exome Variant Server 0.00015; 1000 Genomes Project 30x 0.00016; 1000 Genomes Project 0.00020; ExAC 0.00021.
gnomAD v4.1: 199 of 1,614,046 alleles (0.012%); highest among the groups gnomAD compares: Middle Eastern, 0.066%; 1 homozygote.

Submissions (2):

CeGaT Center for Human Genetics Tuebingen
Classification: Likely benign. Last evaluated: 2024-02-01. Review status: criteria provided, single submitter. Criteria: CeGaT Center For Human Genetics Tuebingen Variant Classification Criteria Version 2. Collection method: clinical testing. Allele origin: germline. Affected: yes. Observed: 1 variant allele.
Comment: PI4KA: BP4, BP7

PreventionGenetics, part of Exact Sciences
Classification: Likely benign for PI4KA-related condition. Last evaluated: 2020-11-02. Review status: no assertion criteria provided. Collection method: clinical testing. Allele origin: germline. Not counted in ClinVar's aggregate classification.
Comment: This variant is classified as likely benign based on ACMG/AMP sequence variant interpretation guidelines (Richards et al. 2015 PMID: 25741868, with internal and published modifications).

NM_058004.4(PI4KA):c.3126G>A (p.Thr1042=)

Gene: PI4KA (phosphatidylinositol 4-kinase alpha; minus strand). Cytogenetic location: 22q11.21.
Variant type: single nucleotide variant.
Coding change: c.3126G>A on transcript NM_058004.4 (MANE Select); coding-DNA position 3126, G replaced by A.
Protein change: p.Thr1042=; no amino-acid change (threonine 1042 retained).
Molecular consequence: synonymous variant.
Genome position (GRCh38, 1-based): chr22:20,751,320, C>T on the plus strand (G>A on the coding strand, the complement: PI4KA is on the minus strand). VCF-style: chr22-20751320-C-T. GRCh37 (hg19) VCF-style: chr22-21105608-C-T.
Other names: c.3126G>A, p.Thr1042= (NM_001362862.2); c.3060G>A, p.Thr1020= (NM_001362863.2); c.3126G>A (NM_058004.3).
Identifiers: ClinVar variation 3025763 (VCV003025763.23), dbSNP rs201868783, ClinGen allele CA10115485.
Genomic context (GRCh38, chr22:20,751,320, plus strand): 5'-GGCCCTTAGTGCAGGGGATCGTGTCGGGCCTACCTCACGGGCTTCGTACGTGTCAGGAAC[C>T]GTGATCCGGTAGGGGGCGTCGGGGATGTCATAGTAAGGCTGATCCTTGTGAATATCCTGC-3'
Protein context (NP_477352.3, residues 1032-1052): YDIPDAPYRI[Thr1042=]VPDTYEARES